The following is an entry in ClinVar:

NM_020533.3(MCOLN1):c.1073T>G (p.Leu358Arg)

Gene: MCOLN1 (mucolipin TRP cation channel 1; plus strand). Cytogenetic location: 19p13.2.
Variant type: single nucleotide variant.
Coding change: c.1073T>G on transcript NM_020533.3 (MANE Select); coding-DNA position 1073, T replaced by G.
Protein change: p.Leu358Arg; replaces leucine 358 with arginine.
Molecular consequence: missense variant.
Genome position (GRCh38, 1-based): chr19:7,528,909, T>G. VCF-style: chr19-7528909-T-G. GRCh37 (hg19) VCF-style: chr19-7593795-T-G.
Other names: short protein forms L358R.
Identifiers: ClinVar variation 2708410 (VCV002708410.3), dbSNP rs2512472369, ClinGen allele CA403086095.

ClinVar aggregate classification (germline): Uncertain significance (1 of 4 stars; one submission).

Conditions:
Mucolipidosis type IV (ML4). Also called: ML IV. Identifiers: Orphanet 578, MedGen C0238286, MONDO:0009653, OMIM 252650.

Submission:

Labcorp Genetics (formerly Invitae), Labcorp
Classification: Uncertain significance for Mucolipidosis type IV. Last evaluated: 2024-05-07. Review status: criteria provided, single submitter. Criteria: Invitae Variant Classification Sherloc (09022015). Collection method: clinical testing. Allele origin: germline.
Comment: This sequence change replaces leucine, which is neutral and non-polar, with arginine, which is basic and polar, at codon 358 of the MCOLN1 protein (p.Leu358Arg). This variant is not present in population databases (gnomAD no frequency). This variant has not been reported in the literature in individuals affected with MCOLN1-related conditions. Advanced modeling of protein sequence and biophysical properties (such as structural, functional, and spatial information, amino acid conservation, physicochemical variation, residue mobility, and thermodynamic stability) performed at Invitae indicates that this missense variant is expected to disrupt MCOLN1 protein function with a positive predictive value of 95%. In summary, the available evidence is currently insufficient to determine the role of this variant in disease. Therefore, it has been classified as a Variant of Uncertain Significance.